The following is an entry in ClinVar:

NM_016734.3(PAX5):c.348C>A (p.Asp116Glu)

Gene: PAX5 (paired box 5; minus strand). Cytogenetic location: 9p13.2.
Variant type: single nucleotide variant.
Coding change: c.348C>A on transcript NM_016734.3 (MANE Select); coding-DNA position 348, C replaced by A.
Protein change: p.Asp116Glu; replaces aspartic acid 116 with glutamic acid.
Molecular consequence: missense variant. On other transcripts: non-coding transcript variant (2), intron variant (1).
Genome position (GRCh38, 1-based): chr9:37,015,059, G>T on the plus strand (C>A on the coding strand, the complement: PAX5 is on the minus strand). VCF-style: chr9-37015059-G-T. GRCh37 (hg19) VCF-style: chr9-37015056-G-T.
Other names: c.348C>A, p.Asp116Glu (NM_001280547.2, NM_001280548.2, NM_001280549.2 and 4 more transcripts); c.24C>A, p.Asp8Glu (NM_001280551.2, NM_001280556.2); c.212+5577C>A (NM_001280555.2); short protein forms D8E, D116E.
Identifiers: ClinVar variation 4626937 (VCV004626937.1).

ClinVar aggregate classification (germline): Uncertain significance (1 of 4 stars; one submission).

Conditions:
Inborn genetic diseases. Identifiers: MedGen C0950123, MeSH D030342.

Submission:

Ambry Genetics
Classification: Uncertain significance for Inborn genetic diseases. Last evaluated: 2025-09-19. Review status: criteria provided, single submitter. Criteria: Ambry Variant Classification Scheme 2023. Collection method: clinical testing. Allele origin: germline.
Comment: The p.D116E variant (also known as c.348C>A), located in coding exon 3 of the PAX5 gene, results from a C to A substitution at nucleotide position 348. The aspartic acid at codon 116 is replaced by glutamic acid, an amino acid with highly similar properties. This amino acid position is conserved. In addition, this alteration is predicted to be deleterious by in silico analysis. Based on the available evidence, the clinical significance of this variant remains unclear.